The following is an entry in ClinVar:

ClinVar aggregate classification (germline): Uncertain significance (1 of 4 stars; one submission).

Conditions:
Predisposition to invasive fungal disease due to CARD9 deficiency (IMD103). Also called: Candidiasis, familial, 2, autosomal recessive; IMMUNODEFICIENCY 103, SUSCEPTIBILITY TO FUNGAL INFECTIONS; CARD9 IMMUNODEFICIENCY. Identifiers: Orphanet 457088, MedGen C1859353, MONDO:0008905, OMIM 212050.

Allele frequency attached by ClinVar (database versions not stated): TOPMed below 0.00001; gnomAD 0.00001; gnomAD exomes 0.00001.
gnomAD v4.1: 8 of 1,612,428 alleles (0.0005%); highest among the groups gnomAD compares: Admixed American, 0.0017%; no homozygotes.

Submission:

Labcorp Genetics (formerly Invitae), Labcorp
Classification: Uncertain significance for Predisposition to invasive fungal disease due to CARD9 deficiency. Last evaluated: 2024-02-22. Review status: criteria provided, single submitter. Criteria: Invitae Variant Classification Sherloc (09022015). Collection method: clinical testing. Allele origin: germline.
Comment: This sequence change replaces arginine, which is basic and polar, with cysteine, which is neutral and slightly polar, at codon 342 of the CARD9 protein (p.Arg342Cys). The frequency data for this variant in the population databases is considered unreliable, as metrics indicate poor data quality at this position in the gnomAD database. This variant has not been reported in the literature in individuals affected with CARD9-related conditions. ClinVar contains an entry for this variant (Variation ID: 1499680). Advanced modeling of protein sequence and biophysical properties (such as structural, functional, and spatial information, amino acid conservation, physicochemical variation, residue mobility, and thermodynamic stability) performed at Invitae indicates that this missense variant is expected to disrupt CARD9 protein function with a positive predictive value of 80%. In summary, the available evidence is currently insufficient to determine the role of this variant in disease. Therefore, it has been classified as a Variant of Uncertain Significance.

NM_052813.5(CARD9):c.1024C>T (p.Arg342Cys)

Gene: CARD9 (caspase recruitment domain family member 9; minus strand). Cytogenetic location: 9q34.3.
Variant type: single nucleotide variant.
Coding change: c.1024C>T on transcript NM_052813.5 (MANE Select); coding-DNA position 1024, C replaced by T.
Protein change: p.Arg342Cys; replaces arginine 342 with cysteine.
Molecular consequence: missense variant.
Genome position (GRCh38, 1-based): chr9:136,369,803, G>A on the plus strand (C>T on the coding strand, the complement: CARD9 is on the minus strand). VCF-style: chr9-136369803-G-A. GRCh37 (hg19) VCF-style: chr9-139264255-G-A.
Other names: c.1024C>T, p.Arg342Cys (NM_052814.4); short protein forms R342C.
Identifiers: ClinVar variation 1499680 (VCV001499680.8), dbSNP rs1286367809, ClinGen allele CA375543432.